The following is an entry in ClinVar:

NM_024426.6(WT1):c.925A>G (p.Met309Val)

Gene: WT1 (WT1 transcription factor; minus strand). Cytogenetic location: 11p13.
Variant type: single nucleotide variant.
Coding change: c.925A>G on transcript NM_024426.6 (MANE Select); coding-DNA position 925, A replaced by G.
Protein change: p.Met309Val; replaces methionine 309 with valine.
Molecular consequence: missense variant. On other transcripts: non-coding transcript variant (1).
Genome position (GRCh38, 1-based): chr11:32,417,617, T>C on the plus strand (A>G on the coding strand, the complement: WT1 is on the minus strand). VCF-style: chr11-32417617-T-C. GRCh37 (hg19) VCF-style: chr11-32439163-T-C.
Other names: c.925A>G, p.Met309Val (NM_000378.6, NM_001407044.1, NM_001407045.1 and 4 more transcripts); c.274A>G, p.Met92Val (NM_001198551.2, NM_001198552.2); c.802A>G, p.Met268Val (NM_001407047.1, NM_001407050.1); c.163A>G, p.Met55Val (NM_001407051.1); c.910A>G, p.Met304Val (NM_024425.2); short protein forms M92V, M309V, M55V, M268V.
Identifiers: ClinVar variation 543116 (VCV000543116.15), dbSNP rs754336808, ClinGen allele CA065878.

ClinVar aggregate classification (germline): Conflicting classifications of pathogenicity. Review status: criteria provided, conflicting classifications (1 of 4 stars). 7 submissions from 7 submitters: Uncertain significance (5); Benign (1); Likely benign (1). Last evaluated 2025-08-07.

Conditions:
Wilms tumor 1 (WT1). Also called: Wilms tumor, somatic. Identifiers: Orphanet 654, MedGen CN033288, MONDO:0008679, OMIM 194070.
Meacham syndrome. Also called: Meacham Winn Culler syndrome. Identifiers: Orphanet 3097, MedGen C1837026, MONDO:0012164, OMIM 608978.
Mesothelioma, malignant (MESOM). Also called: Malignant mesothelioma (disease). Identifiers: Orphanet 50251, MedGen C0345967, MONDO:0006292, OMIM 156240, HP:0100001.
Frasier syndrome. Identifiers: Orphanet 347, MedGen C0950122, MeSH D052159, MONDO:0007635, OMIM 136680.
Nephrotic syndrome, type 4 (NPHS4). Also called: Familial mesangial sclerosis; Nephrotic syndrome, early onset with diffuse mesangial sclerosis. Identifiers: Orphanet 656, MedGen C3151568, MONDO:0009733, OMIM 256370.
Drash syndrome (DDS). Also called: NEPHROPATHY, WILMS TUMOR, AND GENITAL ANOMALIES; WILMS TUMOR AND PSEUDO- OR TRUE HERMAPHRODITISM. Identifiers: Orphanet 220, MedGen C0950121, MONDO:0008682, OMIM 194080.
Inborn genetic diseases. Identifiers: MedGen C0950123, MeSH D030342.
11p partial monosomy syndrome (WAGR). Also called: CHROMOSOME 11p13 DELETION SYNDROME; WAGR Spectrum Disorder; WAGR syndrome; WAGR Complex. Identifiers: Orphanet 893, MedGen C0206115, MONDO:0008681, OMIM 194072.
Hereditary cancer-predisposing syndrome. Also called: Neoplastic Syndromes, Hereditary; Hereditary Cancer Syndrome; Hereditary neoplastic syndrome; Tumor predisposition. Identifiers: Orphanet 140162, MedGen C0027672, MeSH D009386, MONDO:0015356.

Allele frequency attached by ClinVar (database versions not stated): gnomAD 0.00003 and 0.00004; gnomAD exomes 0.00003 and 0.00004; TOPMed 0.00004; ExAC 0.00007.
gnomAD v4.1: 53 of 1,613,974 alleles (0.0033%); highest among the groups gnomAD compares: Non-Finnish European, 0.0042%; no homozygotes.

Submissions (7):

Labcorp Genetics (formerly Invitae), Labcorp
Classification: Benign for Wilms tumor 1; Drash syndrome; 11p partial monosomy syndrome; Frasier syndrome. Last evaluated: 2025-08-07. Review status: criteria provided, single submitter. Criteria: Invitae Variant Classification Sherloc (09022015). Collection method: clinical testing. Allele origin: germline.

Color Diagnostics, LLC DBA Color Health
Classification: Uncertain significance for Wilms tumor 1. Last evaluated: 2025-06-17. Review status: criteria provided, single submitter. Criteria: ACMG Guidelines, 2015. Collection method: clinical testing. Allele origin: germline.
Comment: This missense variant replaces methionine with valine at codon 304 in the WT1 protein. Computational prediction suggests that this variant may not impact protein structure and function. To our knowledge, functional studies have not been reported for this variant. This variant has not been reported in individuals affected with WT1-related disorders in the literature. This variant has been identified in 11/282786 chromosomes in the general population by the Genome Aggregation Database (gnomAD). The available evidence is insufficient to determine the role of this variant in disease conclusively. Therefore, this variant is classified as a Variant of Uncertain Significance.

Ambry Genetics
Classification: Likely benign for Inborn genetic diseases. Last evaluated: 2024-10-28. Review status: criteria provided, single submitter. Criteria: Ambry Variant Classification Scheme 2023. Collection method: clinical testing. Allele origin: germline.

GeneDx
Classification: Uncertain significance. Last evaluated: 2024-06-24. Review status: criteria provided, single submitter. Criteria: GeneDx Variant Classification Process June 2021. Collection method: clinical testing. Allele origin: germline. Affected: yes.
Comment: In silico analysis indicates that this missense variant does not alter protein structure/function; Has not been previously published as pathogenic or benign to our knowledge

Fulgent Genetics
Classification: Uncertain significance for Frasier syndrome; Mesothelioma, malignant; Wilms tumor 1; Drash syndrome; Nephrotic syndrome, type 4; Meacham syndrome. Last evaluated: 2024-01-23. Review status: criteria provided, single submitter. Criteria: ACMG Guidelines, 2015. Collection method: clinical testing. Allele origin: germline.

All of Us Research Program, National Institutes of Health
Classification: Uncertain significance for Wilms tumor 1. Last evaluated: 2023-11-02. Review status: criteria provided, single submitter. Criteria: ACMG Guidelines, 2015. Collection method: clinical testing. Allele origin: germline. Inheritance: Autosomal dominant inheritance. Observed: 5 variant alleles, 5 heterozygotes.
Comment: This missense variant replaces methionine with valine at codon 304 in the WT1 protein. Computational prediction suggests that this variant may not impact protein structure and function (internally defined REVEL score threshold <= 0.5, PMID: 27666373). To our knowledge, functional studies have not been reported for this variant. This variant has not been reported in individuals affected with WT1-related disorders in the literature. This variant has been identified in 11/282786 chromosomes in the general population by the Genome Aggregation Database (gnomAD). The available evidence is insufficient to determine the role of this variant in disease conclusively. Therefore, this variant is classified as a Variant of Uncertain Significance.

This study involves interpretation of variants in research participants for the purpose of population health screening. Participant phenotype was not available at the time of variant classification. Additional details can be found in publication PMID: 35346344, PMCID: PMC8962531

Sema4
Classification: Uncertain significance for Hereditary cancer-predisposing syndrome. Last evaluated: 2021-12-23. Review status: criteria provided, single submitter. Criteria: Sema4 Curation Guidelines. Collection method: curation. Allele origin: germline.
Comment: The WT1 c.910A>G (p.M304V) variant has not been reported in the literature to our knowledge. It was observed in 11/129154 chromosomes of the Non-Finnish European (NFE) subpopulation, with no homozygotes, in the large and broad cohorts of the Genome Aggregation Database (PMID: 32461654). This variant has not been reported in ClinVar. Functional studies have not been performed, and in silico predictions of the variant's effect on protein function are inconclusive. The evidence is insufficient to meet ACMG/AMP criteria for classifying the variant as benign or pathogenic. Thus, the clinical significance of this variant is currently uncertain.